The following is an entry in ClinVar:

NM_014249.4(NR2E3):c.654C>G (p.Asp218Glu)

Gene: NR2E3 (nuclear receptor subfamily 2 group E member 3; plus strand). Cytogenetic location: 15q23.
Variant type: single nucleotide variant.
Coding change: c.654C>G on transcript NM_014249.4 (MANE Select); coding-DNA position 654, C replaced by G.
Protein change: p.Asp218Glu; replaces aspartic acid 218 with glutamic acid.
Molecular consequence: missense variant.
Genome position (GRCh38, 1-based): chr15:71,812,418, C>G. VCF-style: chr15-71812418-C-G. GRCh37 (hg19) VCF-style: chr15-72104758-C-G.
Other names: c.654C>G, p.Asp218Glu (NM_016346.4); short protein forms D218E.
Identifiers: ClinVar variation 1377474 (VCV001377474.4), dbSNP rs1373192710, ClinGen allele CA393035351.

ClinVar aggregate classification (germline): Uncertain significance (1 of 4 stars; one submission).

Allele frequency attached by ClinVar (database versions not stated): gnomAD exomes below 0.00001; TOPMed 0.00001.
gnomAD v4.1: 13 of 1,614,002 alleles (0.00081%); highest among the groups gnomAD compares: Non-Finnish European, 0.001%; no homozygotes.

Submission:

Labcorp Genetics (formerly Invitae), Labcorp
Classification: Uncertain significance. Last evaluated: 2025-11-22. Review status: criteria provided, single submitter. Criteria: Invitae Variant Classification Sherloc (09022015). Collection method: clinical testing. Allele origin: germline.
Comment: This sequence change replaces aspartic acid, which is acidic and polar, with glutamic acid, which is acidic and polar, at codon 218 of the NR2E3 protein (p.Asp218Glu). This variant is present in population databases (no rsID available, gnomAD 0.0009%). This variant has not been reported in the literature in individuals affected with NR2E3-related conditions. ClinVar contains an entry for this variant (Variation ID: 1377474). Invitae Evidence Modeling of protein sequence and biophysical properties (such as structural, functional, and spatial information, amino acid conservation, physicochemical variation, residue mobility, and thermodynamic stability) indicates that this missense variant is not expected to disrupt NR2E3 protein function with a negative predictive value of 80%. In summary, the available evidence is currently insufficient to determine the role of this variant in disease. Therefore, it has been classified as a Variant of Uncertain Significance.